The following is an entry in ClinVar:

NM_019014.6(POLR1B):c.3077T>C (p.Ile1026Thr)

Gene: POLR1B (RNA polymerase I subunit B; plus strand). Cytogenetic location: 2q14.1.
Variant type: single nucleotide variant.
Coding change: c.3077T>C on transcript NM_019014.6 (MANE Select); coding-DNA position 3077, T replaced by C.
Protein change: p.Ile1026Thr; replaces isoleucine 1026 with threonine.
Molecular consequence: missense variant.
Genome position (GRCh38, 1-based): chr2:112,575,398, T>C. VCF-style: chr2-112575398-T-C. GRCh37 (hg19) VCF-style: chr2-113332975-T-C.
Other names: c.2444T>C, p.Ile815Thr (NM_001282776.2, NM_001371971.1); c.2660T>C, p.Ile887Thr (NM_001282777.2, NM_001282779.2, NM_001371970.1); c.3215T>C, p.Ile1072Thr (NM_001371969.1); c.2909T>C, p.Ile970Thr (NM_001137604.3); c.3191T>C, p.Ile1064Thr (NM_001282772.2); c.2528T>C, p.Ile843Thr (NM_001282774.2); short protein forms I1026T, I1064T, I1072T, I815T, I843T, I887T, I970T.
Identifiers: ClinVar variation 3573722 (VCV003573722.3).

ClinVar aggregate classification (germline): Uncertain significance (1 of 4 stars; one submission).

gnomAD v4.1: 4 of 1,614,040 alleles (0.00025%); highest among the groups gnomAD compares: South Asian, 0.0022%; no homozygotes.

Submission:

GeneDx
Classification: Uncertain significance. Last evaluated: 2026-10-18. Review status: criteria provided, single submitter. Criteria: GeneDx Variant Classification Process June 2021. Collection method: clinical testing. Allele origin: germline.
Comment: Not observed at significant frequency in large population cohorts (gnomAD); In silico analysis supports that this missense variant has a deleterious effect on protein structure/function; Has not been previously published as pathogenic or benign to our knowledge